The following is an entry in ClinVar:

NR_125730.1(RNU6-2):n.55_56insG

Gene: RNU6-2 (RNA, U6 small nuclear 2; plus strand). Cytogenetic location: 19p13.3.
Variant type: Insertion.
Molecular consequence: non-coding transcript variant (on NR_125730.1).
Genome position: GRCh38 VCF-style: chr19-1021576-C-CG. GRCh37 (hg19) VCF-style: chr19-1021575-C-CG.
Other names: NC_000019.10:g.1021576_1021577insG.
Identifiers: ClinVar variation 3770170 (VCV003770170.2).

ClinVar aggregate classification (germline): Conflicting classifications of pathogenicity. Review status: criteria provided, conflicting classifications (1 of 4 stars). 2 submissions from 2 submitters: Pathogenic (1); Uncertain significance (1). Last evaluated 2025-10-01.

Conditions:
Retinitis pigmentosa (RP). Identifiers: Orphanet 791, MedGen C0035334, MeSH D012174, MONDO:0019200, OMIM 268000. Inheritance: Autosomal dominant, autosomal recessive and X linked inheritance.

Submissions (2):

Ophthalmic Genetics Group, Institute of Molecular and Clinical Ophthalmology Basel
Classification: Pathogenic for Retinitis pigmentosa. Last evaluated: 2025-10-01. Review status: criteria provided, single submitter. Criteria: ACMG Guidelines, 2015. Collection method: research. Allele origin: germline. Affected: yes. Observed: 32 variant alleles.
Comment: The NR_125730.1:n.55_56insG variant is a single base-pair insertion in RNU6-2. It was found in 14 unrelated probands with retinitis pigmentosa among ~5,000 cases tested. It is absent from gnomAD (v4.1.0) and from AllofUs. It was therefore significantly enriched (Fisher's exact test) in cases vs controls and we applied PS4 criteria. PM2_sup was not applied to avoid counting evidence already used for PS4 criteria. It also was present in 18 affected family members and therefore PP1_strong was applied. In two families, the variants was found de novo without parental confirmation and PM6_sup was used. It was also shown to affect a conserved region and to have an effect on the U4/U6 duplex modeled in 2D. In summary, using ACMG criteria and more specifically ClinGen recommendations, this variant was classified as pathogenic with PS4, PM6_sup, and PP1_strong criteria.

Institute for Human Genetics, University Hospital Essen
Classification: Uncertain significance. Last evaluated: 2005-03-05. Review status: criteria provided, single submitter. Criteria: ACMG Guidelines, 2015. Collection method: clinical testing. Allele origin: de novo. Affected: yes.
Comment: PM2_supp, PS2